The following is an entry in ClinVar:

ClinVar aggregate classification (germline): Conflicting classifications of pathogenicity. Review status: criteria provided, conflicting classifications (1 of 4 stars). 4 submissions from 4 submitters: Likely pathogenic (2); Uncertain significance (2). Last evaluated 2026-03-13.

Conditions:
Autosomal dominant Alport syndrome (ATS3A). Also called: Alport syndrome dominant type; Renal failure and sensorineural hearing loss; ALPORT SYNDROME 3A, AUTOSOMAL DOMINANT. Identifiers: Orphanet 63, Orphanet 88918, MedGen C5882663, MONDO:0007086, OMIM 104200.
Hematuria, benign familial, 2 (BFH2). Identifiers: MedGen C5830421, MONDO:0958186, OMIM 620320.
Alport syndrome 3b, autosomal recessive. Identifiers: MedGen C5882699, MONDO:0957811, OMIM 620536.

gnomAD v4.1: 1 of 1,613,940 alleles (0.000062%); no homozygotes.

Submissions (4):

Centre de Génétique Humaine, Institut de Pathologie Et de Génétique
Classification: Likely pathogenic for Alport syndrome 3b, autosomal recessive. Last evaluated: 2026-03-13. Review status: criteria provided, single submitter. Criteria: ACMG Guidelines, 2015. Collection method: clinical testing. Allele origin: biparental. Inheritance: Autosomal recessive inheritance. Affected: yes. Observed: 1 variant allele, 1 homozygote. Segregation with disease observed.
Comment: This missense variant involves a highly conserved glycine located in a ‘Gly-X-Y’ motif in collagenous region, which is characteristic of the pathogenic variants identified in the COL4A3 gene (PM1,PP2). This variant is rare: allelic frequency of 0.000062% in gnomAD v4.1.0 database (PM2); In silico analysis supports that this missense variant has a deleterious effect (PP3).

Fulgent Genetics
Classification: Likely pathogenic for Autosomal dominant Alport syndrome; Hematuria, benign familial, 2; Alport syndrome 3b, autosomal recessive. Last evaluated: 2024-03-25. Review status: criteria provided, single submitter. Criteria: ACMG Guidelines, 2015. Collection method: clinical testing. Allele origin: germline.

Labcorp Genetics (formerly Invitae), Labcorp
Classification: Uncertain significance. Last evaluated: 2021-09-02. Review status: criteria provided, single submitter. Criteria: Invitae Variant Classification Sherloc (09022015). Collection method: clinical testing. Allele origin: germline.
Comment: This sequence change replaces glycine with serine at codon 1391 of the COL4A3 protein (p.Gly1391Ser). The glycine residue is highly conserved and there is a small physicochemical difference between glycine and serine. This variant is not present in population databases (ExAC no frequency). This missense change has been observed in individual(s) with Alport syndrome (Invitae). Advanced modeling of protein sequence and biophysical properties (such as structural, functional, and spatial information, amino acid conservation, physicochemical variation, residue mobility, and thermodynamic stability) performed at Invitae indicates that this missense variant is expected to disrupt COL4A3 protein function. In summary, the available evidence is currently insufficient to determine the role of this variant in disease. Therefore, it has been classified as a Variant of Uncertain Significance.

Breakthrough Genomics
Classification: Uncertain significance. Review status: criteria provided, single submitter. Criteria: ACMG Guidelines, 2015. Collection method: not provided. Allele origin: germline. Inheritance: Autosomal recessive inheritance. Affected: yes.

NM_000091.5(COL4A3):c.4171G>A (p.Gly1391Ser)

Genes: COL4A3 (collagen type IV alpha 3 chain; plus strand), MFF-DT (MFF divergent transcript; minus strand). Cytogenetic location: 2q36.3.
Variant type: single nucleotide variant.
Coding change: c.4171G>A on transcript NM_000091.5 (MANE Select); coding-DNA position 4171, G replaced by A.
Protein change: p.Gly1391Ser; replaces glycine 1391 with serine.
Molecular consequence: missense variant.
Genome position (GRCh38, 1-based): chr2:227,305,002, G>A. VCF-style: chr2-227305002-G-A. GRCh37 (hg19) VCF-style: chr2-228169718-G-A.
Other names: p.Gly1391Ser; short protein forms G1391S.
Identifiers: ClinVar variation 2166078 (VCV002166078.4), dbSNP rs2106274329, ClinGen allele CA350863725.